The following is an entry in ClinVar:

ClinVar aggregate classification (germline): Likely benign (1 of 4 stars; one submission).

Allele frequency attached by ClinVar (database versions not stated): gnomAD exomes below 0.00001; TOPMed below 0.00001.
gnomAD v4.1: 4 of 1,595,194 alleles (0.00025%); highest among the groups gnomAD compares: Non-Finnish European, 0.00026%; no homozygotes.

Submission:

CeGaT Center for Human Genetics Tuebingen
Classification: Likely benign. Last evaluated: 2024-02-01. Review status: criteria provided, single submitter. Criteria: CeGaT Center For Human Genetics Tuebingen Variant Classification Criteria Version 2. Collection method: clinical testing. Allele origin: germline. Affected: yes. Observed: 1 variant allele.
Comment: KMT2B: PM2:Supporting, BP4, BP7

NM_014727.3(KMT2B):c.2730A>G (p.Ser910=)

Gene: KMT2B (lysine methyltransferase 2B; plus strand). Cytogenetic location: 19q13.12.
Variant type: single nucleotide variant.
Coding change: c.2730A>G on transcript NM_014727.3 (MANE Select); coding-DNA position 2730, A replaced by G.
Protein change: p.Ser910=; no amino-acid change (serine 910 retained).
Molecular consequence: synonymous variant.
Genome position (GRCh38, 1-based): chr19:35,723,002, A>G. VCF-style: chr19-35723002-A-G. GRCh37 (hg19) VCF-style: chr19-36213904-A-G.
Identifiers: ClinVar variation 3026073 (VCV003026073.22), dbSNP rs924987088, ClinGen allele CA307785664.